The following is an entry in ClinVar:

NM_005477.3(HCN4):c.3077_3078delinsTT (p.Ser1026Ile)

Gene: HCN4 (hyperpolarization activated cyclic nucleotide gated potassium channel 4; minus strand). Cytogenetic location: 15q24.1.
Variant type: Indel.
Coding change: c.3077_3078delinsTT on transcript NM_005477.3 (MANE Select); coding-DNA positions 3077 to 3078, GC replaced by TT.
Protein change: p.Ser1026Ile; replaces serine 1026 with isoleucine.
Molecular consequence: missense variant.
Genome position (GRCh38, 1-based): chr15:73,323,015-73,323,016, GC replaced by AA on the plus strand (GC replaced by TT on the coding strand, the reverse complement: HCN4 is on the minus strand). VCF-style: chr15-73323015-GC-AA. GRCh37 (hg19) VCF-style: chr15-73615356-GC-AA.
Other names: short protein forms S1026I.
Identifiers: ClinVar variation 3721778 (VCV003721778.2).

ClinVar aggregate classification (germline): Uncertain significance (1 of 4 stars; one submission).

Conditions:
Brugada syndrome 8 (BRGDA8). Identifiers: Orphanet 130, MedGen C2751083, MONDO:0013148, OMIM 613123.

Submission:

Labcorp Genetics (formerly Invitae), Labcorp
Classification: Uncertain significance for Brugada syndrome 8. Last evaluated: 2024-09-29. Review status: criteria provided, single submitter. Criteria: Invitae Variant Classification Sherloc (09022015). Collection method: clinical testing. Allele origin: germline.
Comment: This sequence change replaces serine, which is neutral and polar, with isoleucine, which is neutral and non-polar, at codon 1026 of the HCN4 protein (p.Ser1026Ile). Information on the frequency of this variant in the gnomAD database is not available, as this variant may be reported differently in the database. This variant has not been reported in the literature in individuals affected with HCN4-related conditions. Experimental studies and prediction algorithms are not available or were not evaluated, and the functional significance of this variant is currently unknown. In summary, the available evidence is currently insufficient to determine the role of this variant in disease. Therefore, it has been classified as a Variant of Uncertain Significance.